The following is an entry in ClinVar:

NM_025114.4(CEP290):c.3677C>T (p.Ser1226Phe)

Gene: CEP290 (centrosomal protein 290; minus strand). Cytogenetic location: 12q21.32.
Variant type: single nucleotide variant.
Coding change: c.3677C>T on transcript NM_025114.4 (MANE Select); coding-DNA position 3677, C replaced by T.
Protein change: p.Ser1226Phe; replaces serine 1226 with phenylalanine.
Molecular consequence: missense variant.
Genome position (GRCh38, 1-based): chr12:88,089,384, G>A on the plus strand (C>T on the coding strand, the complement: CEP290 is on the minus strand). VCF-style: chr12-88089384-G-A. GRCh37 (hg19) VCF-style: chr12-88483161-G-A.
Other names: c.3677C>T (NM_025114.3); short protein forms S1226F.
Identifiers: ClinVar variation 2022309 (VCV002022309.2), dbSNP rs1188505248, ClinGen allele CA386000952.
Genomic context (GRCh38, chr12:88,089,384, plus strand): 5'-TCTTTTTCATCAAGTTTCTGCTCTAAGCGCAAGTTGTAGGCCTCCATCTTCTGCAGTTTA[G>A]ATGTAATTGACTCCAACTTACCAAGAGCAGTAGCCTCACTCAGTTGAAGAGAGACATTAT-3'
Protein context (NP_079390.3, residues 1216-1236): TALGKLESIT[Ser1226Phe]KLQKMEAYNL

ClinVar aggregate classification (germline): Uncertain significance. Review status: criteria provided, multiple submitters, no conflicts (2 of 4 stars). 2 submissions from 2 submitters: Uncertain significance (2). Last evaluated 2026-06-16.

Conditions:
CEP290-related disorder. Also called: CEP290-related condition; CEP290-related disorders. Identifiers: MedGen CN239314.
Nephronophthisis. Also called: Juvenile Nephronophthisis. Identifiers: Orphanet 655, MedGen C0687120, MONDO:0019005, HP:0000090.
Joubert syndrome. Also called: Familial aplasia of the vermis; JOUBERT-BOLTSHAUSER SYNDROME. Identifiers: Orphanet 475, MedGen C5979921, MONDO:0018772.
Meckel-Gruber syndrome. Also called: Dysencephalia splachnocystica; DYSENCEPHALIA SPLANCHNOCYSTICA; GRUBER SYNDROME. Identifiers: Orphanet 564, MedGen C0265215, MONDO:0018921.

Allele frequency attached by ClinVar (database versions not stated): TOPMed below 0.00001; gnomAD 0.00001.
gnomAD v4.1: 2 of 1,613,602 alleles (0.00012%); highest among the groups gnomAD compares: Non-Finnish European, 0.00017%; no homozygotes.

Submissions (2):

PreventionGenetics, part of Exact Sciences
Classification: Uncertain significance for CEP290-related condition. Last evaluated: 2026-06-16. Review status: criteria provided, single submitter. Criteria: ACMG Guidelines, 2015. Collection method: clinical testing. Allele origin: germline.
Comment: The CEP290 c.3677C>T variant is predicted to result in the amino acid substitution p.Ser1226Phe. To our knowledge, this variant has not been reported in the literature or in a large population database (gnomAD), indicating this variant is rare. At this time, the clinical significance of this variant is uncertain due to the absence of conclusive functional and genetic evidence.

Labcorp Genetics (formerly Invitae), Labcorp
Classification: Uncertain significance for Joubert syndrome; Meckel-Gruber syndrome; Nephronophthisis. Last evaluated: 2022-03-19. Review status: criteria provided, single submitter. Criteria: Invitae Variant Classification Sherloc (09022015). Collection method: clinical testing. Allele origin: germline.
Comment: This sequence change replaces serine, which is neutral and polar, with phenylalanine, which is neutral and non-polar, at codon 1226 of the CEP290 protein (p.Ser1226Phe). This variant is not present in population databases (gnomAD no frequency). This variant has not been reported in the literature in individuals affected with CEP290-related conditions. Algorithms developed to predict the effect of missense changes on protein structure and function are either unavailable or do not agree on the potential impact of this missense change (SIFT: "Deleterious"; PolyPhen-2: "Possibly Damaging"; Align-GVGD: "Class C0"). In summary, the available evidence is currently insufficient to determine the role of this variant in disease. Therefore, it has been classified as a Variant of Uncertain Significance.